The following is an entry in ClinVar:

NM_212482.4(FN1):c.6887C>T (p.Ser2296Leu)

Genes: ATIC (5-aminoimidazole-4-carboxamide ribonucleotide formyltransferase/IMP cyclohydrolase; plus strand), FN1 (fibronectin 1; minus strand). Cytogenetic location: 2q35.
Variant type: single nucleotide variant.
Coding change: c.6887C>T on transcript NM_212482.4 (MANE Select); coding-DNA position 6887, C replaced by T.
Protein change: p.Ser2296Leu; replaces serine 2296 with leucine.
Molecular consequence: missense variant.
Genome position (GRCh38, 1-based): chr2:215,367,994, G>A on the plus strand (C>T on the coding strand, the complement: FN1 is on the minus strand). VCF-style: chr2-215367994-G-A. GRCh37 (hg19) VCF-style: chr2-216232717-G-A.
Other names: c.6887C>T (NM_212482.2); c.6794C>T, p.Ser2265Leu (NM_001306129.2); c.6257C>T, p.Ser2086Leu (NM_001306130.2); c.6251C>T, p.Ser2084Leu (NM_001306131.2); c.6176C>T, p.Ser2059Leu (NM_001306132.2); c.6617C>T, p.Ser2206Leu (NM_001365517.2); c.6614C>T, p.Ser2205Leu (NM_001365518.2); c.6542C>T, p.Ser2181Leu (NM_001365519.2); and 9 more; short protein forms S1995L, S2059L, S2084L, S2085L, S2086L, S2090L, S2115L, S2149L.
Identifiers: ClinVar variation 1611469 (VCV001611469.10), dbSNP rs201152780, ClinGen allele CA2093712.
Genomic context (GRCh38, chr2:215,367,994, plus strand): 5'-GACATTCGTTCCCACTCATCTCCAACGGCATAATGGGAAACTGTGTAGGGGTCAAAGCAC[G>A]AGTCATCCGTAGGTTGGTTCAAGCCTTCGTTGACTATGAAGAAAAGGAAGAAAAAGCAAA-3'
Protein context (NP_997647.2, residues 2286-2306): NEGLNQPTDD[Ser2296Leu]CFDPYTVSHY

ClinVar aggregate classification (germline): Benign/Likely benign. Review status: criteria provided, multiple submitters, no conflicts (2 of 4 stars). 3 submissions from 3 submitters: Benign (1); Likely benign (2). Last evaluated 2026-01-06.

Conditions:
FN1-related disorder. Also called: FN1-related condition.

Allele frequency attached by ClinVar (database versions not stated): gnomAD exomes 0.00006 and 0.00026; gnomAD 0.00009 and 0.00011; TOPMed 0.00017; ExAC 0.00026; 1000 Genomes Project 0.00040; 1000 Genomes Project 30x 0.00047.
gnomAD v4.1: 103 of 1,614,162 alleles (0.0064%); highest among the groups gnomAD compares: East Asian, 0.19%; no homozygotes.

Submissions (3):

Labcorp Genetics (formerly Invitae), Labcorp
Classification: Benign. Last evaluated: 2026-01-06. Review status: criteria provided, single submitter. Criteria: Invitae Variant Classification Sherloc (09022015). Collection method: clinical testing. Allele origin: germline.

PreventionGenetics, part of Exact Sciences
Classification: Likely benign for FN1-related condition. Last evaluated: 2025-12-13. Review status: criteria provided, single submitter. Criteria: ACMG Guidelines, 2015. Collection method: clinical testing. Allele origin: germline.
Comment: This variant is classified as likely benign based on ACMG/AMP sequence variant interpretation guidelines (Richards et al. 2015 PMID: 25741868, with internal and published modifications).

Blueprint Genetics
Classification: Likely benign. Last evaluated: 2024-11-14. Review status: criteria provided, single submitter. Criteria: ACMG Guidelines, 2015. Collection method: clinical testing. Allele origin: germline.